The following is an entry in ClinVar:

NM_017671.5(FERMT1):c.620G>A (p.Ser207Asn)

Gene: FERMT1 (FERM domain containing kindlin 1; minus strand). Cytogenetic location: 20p12.3.
Variant type: single nucleotide variant.
Coding change: c.620G>A on transcript NM_017671.5 (MANE Select); coding-DNA position 620, G replaced by A.
Protein change: p.Ser207Asn; replaces serine 207 with asparagine.
Molecular consequence: missense variant.
Genome position (GRCh38, 1-based): chr20:6,110,424, C>T on the plus strand (G>A on the coding strand, the complement: FERMT1 is on the minus strand). VCF-style: chr20-6110424-C-T. GRCh37 (hg19) VCF-style: chr20-6091071-C-T.
Other names: c.620G>A (NM_017671.4); short protein forms S207N.
Identifiers: ClinVar variation 1408813 (VCV001408813.7), dbSNP rs766284783, ClinGen allele CA9758418.

ClinVar aggregate classification (germline): Uncertain significance. Review status: criteria provided, multiple submitters, no conflicts (2 of 4 stars). 2 submissions from 2 submitters: Uncertain significance (2). Last evaluated 2025-04-20.

Conditions:
Inborn genetic diseases. Identifiers: MedGen C0950123, MeSH D030342.

Allele frequency attached by ClinVar (database versions not stated): gnomAD exomes below 0.00001; ExAC 0.00001; gnomAD 0.00001; TOPMed 0.00001.
gnomAD v4.1: 4 of 1,613,978 alleles (0.00025%); highest among the groups gnomAD compares: African/African-American, 0.0053%; no homozygotes.

Submissions (2):

Ambry Genetics
Classification: Uncertain significance for Inborn genetic diseases. Last evaluated: 2025-04-20. Review status: criteria provided, single submitter. Criteria: Ambry Variant Classification Scheme 2023. Collection method: clinical testing. Allele origin: germline.

Labcorp Genetics (formerly Invitae), Labcorp
Classification: Uncertain significance. Last evaluated: 2022-06-13. Review status: criteria provided, single submitter. Criteria: Invitae Variant Classification Sherloc (09022015). Collection method: clinical testing. Allele origin: germline.
Comment: This variant has not been reported in the literature in individuals affected with FERMT1-related conditions. This variant is present in population databases (rs766284783, gnomAD 0.007%). This sequence change replaces serine, which is neutral and polar, with asparagine, which is neutral and polar, at codon 207 of the FERMT1 protein (p.Ser207Asn). In summary, the available evidence is currently insufficient to determine the role of this variant in disease. Therefore, it has been classified as a Variant of Uncertain Significance. Algorithms developed to predict the effect of missense changes on protein structure and function are either unavailable or do not agree on the potential impact of this missense change (SIFT: "Deleterious"; PolyPhen-2: "Benign"; Align-GVGD: "Class C0").